The following is an entry in ClinVar:

ClinVar aggregate classification (germline): Benign/Likely benign. Review status: criteria provided, multiple submitters, no conflicts (2 of 4 stars). 24 submissions from 23 submitters: Benign (8); Likely benign (10). 6 of the submissions do not count toward it. Last evaluated 2026-08-01.

Conditions:
TSC1-related disorder. Also called: TSC1-related condition.
Hereditary cancer-predisposing syndrome. Also called: Neoplastic Syndromes, Hereditary; Hereditary neoplastic syndrome; Hereditary Cancer Syndrome; Tumor predisposition. Identifiers: Orphanet 140162, MedGen C0027672, MeSH D009386, MONDO:0015356.
Tuberous sclerosis 1 (TSC1). Identifiers: Orphanet 805, MedGen C1854465, MONDO:0008612, OMIM 191100.
Isolated focal cortical dysplasia type II (FCORD2). Also called: Focal cortical dysplasia type II; CORTICAL DYSPLASIA OF TAYLOR. Identifiers: Orphanet 268994, MedGen C1846385, MONDO:0011818, OMIM 607341, HP:0032051.
Lymphangiomyomatosis (LAM). Also called: Lymphangioleiomyomatosis, somatic; Lymphangioleiomyomatosis. Identifiers: Orphanet 538, MedGen C0751674, MONDO:0011705, OMIM 606690.
Tuberous sclerosis syndrome (TSC). Also called: Tuberous sclerosis; Tuberous Sclerosis Complex. Identifiers: Orphanet 805, MedGen C0041341, MONDO:0001734.

Allele frequency attached by ClinVar (database versions not stated): ExAC 0.00045; gnomAD 0.00012 and 0.00014; 1000 Genomes Project 30x 0.00016; 1000 Genomes Project 0.00020; gnomAD exomes 0.00025 and 0.00043; ESP Exome Variant Server 0.00031; TOPMed 0.00014.
gnomAD v4.1: 392 of 1,613,700 alleles (0.024%); highest among the groups gnomAD compares: South Asian, 0.24%; 2 homozygotes.

Submissions (24):

CeGaT Center for Human Genetics Tuebingen
Classification: Likely benign. Last evaluated: 2026-08-01. Review status: criteria provided, single submitter. Criteria: CeGaT Center For Human Genetics Tuebingen Variant Classification Criteria Version 2. Collection method: clinical testing. Allele origin: germline. Affected: yes. Observed: 5 variant alleles.
Comment: TSC1: PP2, BP4, BS1

Myriad Genetics, Inc.
Classification: Benign for Tuberous sclerosis 1. Last evaluated: 2026-04-29. Review status: criteria provided, single submitter. Criteria: Myriad Autosomal Dominant, Autosomal Recessive and X-Linked Classification Criteria (2023). Collection method: clinical testing. Allele origin: unknown.
Comment: This variant is considered benign. Homozygosity has been confirmed in one or more individuals. As homozygosity for pathogenic variants in this gene is generally assumed to result in embryonic lethality, this variant is unlikely to be pathogenic. This variant has been observed at a population frequency that is significantly greater than expected given the associated disease prevalence and penetrance.

Labcorp Genetics (formerly Invitae), Labcorp
Classification: Benign for Tuberous sclerosis 1. Last evaluated: 2026-01-28. Review status: criteria provided, single submitter. Criteria: Invitae Variant Classification Sherloc (09022015). Collection method: clinical testing. Allele origin: germline.

Athena Diagnostics
Classification: Benign. Last evaluated: 2025-02-24. Review status: criteria provided, single submitter. Criteria: Athena Diagnostics Criteria. Collection method: clinical testing. Allele origin: unknown.
Comment: The frequency of this variant in the general population is higher than would generally be expected for pathogenic variants in this gene.

Blueprint Genetics
Classification: Likely benign. Last evaluated: 2024-11-08. Review status: criteria provided, single submitter. Criteria: ACMG Guidelines, 2015. Collection method: clinical testing. Allele origin: germline.

All of Us Research Program, National Institutes of Health
Classification: Benign for Tuberous sclerosis syndrome. Last evaluated: 2024-08-06. Review status: criteria provided, single submitter. Criteria: ACMG Guidelines, 2015. Collection method: clinical testing. Allele origin: germline. Inheritance: Autosomal dominant inheritance. Observed: 51 variant alleles, 51 heterozygotes.
Comment: This study involves interpretation of variants in research participants for the purpose of population health screening. Participant phenotype was not available at the time of variant classification. Additional details can be found in publication PMID: 35346344, PMCID: PMC8962531

Color Diagnostics, LLC DBA Color Health
Classification: Benign for Tuberous sclerosis syndrome. Last evaluated: 2022-05-26. Review status: criteria provided, single submitter. Criteria: ACMG Guidelines, 2015. Collection method: clinical testing. Allele origin: germline.

Genome-Nilou Lab
Classification: Benign for Tuberous sclerosis 1. Last evaluated: 2021-11-07. Review status: criteria provided, single submitter. Criteria: ACMG Guidelines, 2015. Collection method: clinical testing. Allele origin: germline. Affected: no.

Fulgent Genetics
Classification: Likely benign for Tuberous sclerosis 1; Lymphangiomyomatosis; Isolated focal cortical dysplasia type II. Last evaluated: 2021-10-08. Review status: criteria provided, single submitter. Criteria: ACMG Guidelines, 2015. Collection method: clinical testing. Allele origin: unknown.

Sema4
Classification: Likely benign for Hereditary cancer-predisposing syndrome. Last evaluated: 2020-12-09. Review status: criteria provided, single submitter. Criteria: Sema4 Curation Guidelines. Collection method: curation. Allele origin: germline.

Quest Diagnostics Nichols Institute San Juan Capistrano
Classification: Benign. Last evaluated: 2019-10-18. Review status: criteria provided, single submitter. Criteria: Quest Diagnostics criteria. Collection method: clinical testing. Allele origin: unknown.

Ambry Genetics
Classification: Likely benign for Hereditary cancer-predisposing syndrome. Last evaluated: 2018-04-05. Review status: criteria provided, single submitter. Criteria: Ambry Variant Classification Scheme 2023. Collection method: clinical testing. Allele origin: germline.

GeneDx
Classification: Benign. Last evaluated: 2018-01-31. Review status: criteria provided, single submitter. Criteria: GeneDx Variant Classification (06012015). Collection method: clinical testing. Allele origin: germline. Affected: yes.
Comment: This variant is considered likely benign or benign based on one or more of the following criteria: it is a conservative change, it occurs at a poorly conserved position in the protein, it is predicted to be benign by multiple in silico algorithms, and/or has population frequency not consistent with disease.

Illumina Laboratory Services, Illumina
Classification: Likely benign for Isolated focal cortical dysplasia type II. Last evaluated: 2017-04-28. Review status: criteria provided, single submitter. Criteria: ICSL Variant Classification Criteria 13 December 2019. Collection method: clinical testing. Allele origin: germline.
Comment: This variant was observed as part of a predisposition screen in an ostensibly healthy population. A literature search was performed for the gene, cDNA change, and amino acid change (where applicable). No publications were found based on this search. Allele frequency data from public databases allowed determination this variant is unlikely to cause disease. Therefore, this variant is classified as likely benign.

Illumina Laboratory Services, Illumina
Classification: Likely benign for Tuberous sclerosis 1. Last evaluated: 2017-04-28. Review status: criteria provided, single submitter. Criteria: ICSL Variant Classification Criteria 13 December 2019. Collection method: clinical testing. Allele origin: germline.
Comment: This variant was observed as part of a predisposition screen in an ostensibly healthy population. A literature search was performed for the gene, cDNA change, and amino acid change (where applicable). Publications were found based on this search. The evidence from the literature, in combination with allele frequency data from public databases where available, was sufficient to determine this variant is unlikely to cause disease. Therefore, this variant is classified as likely benign.

Genetic Services Laboratory, University of Chicago
Classification: Likely benign. Last evaluated: 2014-09-10. Review status: criteria provided, single submitter. Criteria: ACMG Guidelines, 2015. Collection method: clinical testing. Allele origin: germline.

Breakthrough Genomics
Classification: Likely benign. Review status: criteria provided, single submitter. Criteria: ACMG Guidelines, 2015. Collection method: not provided. Allele origin: germline. Inheritance: Autosomal dominant inheritance. Affected: yes.

Center for Genomics, Ann and Robert H. Lurie Children's Hospital of Chicago
Classification: Likely benign for Isolated focal cortical dysplasia type II; Tuberous sclerosis 1; Lymphangiomyomatosis. Review status: criteria provided, single submitter. Criteria: ACMG Guidelines, 2015. Collection method: clinical testing. Allele origin: germline.
Comment: TSC1 NM_000368.4 exon 10 p.Ser334Leu (c.1001C>T): This variant has been reported in the literature in at least 1 individual with nonalcoholic fatty liver disease (Pelusi 2019 PMID:30842500). This variant is present in the Genome Aggregation Database (Highest reported MAF 0.01% (13/67998)). This variant is present in ClinVar, with several labs classifying this variant as Likely Benign or Benign (Variation ID:41686). This variant amino acid Leucine (Leu) is present in multiple species including mammals and is not well conserved among evolutionarily distant species; this suggests that this variant may not impact the protein. Additional computational prediction tools do not suggest an impact. In summary, data on this variant suggests that this variant does not cause disease but requires further evidence. Therefore, this variant is classified as likely benign.

PreventionGenetics, part of Exact Sciences
Classification: Likely benign for TSC1-related condition. Last evaluated: 2019-03-14. Review status: no assertion criteria provided. Collection method: clinical testing. Allele origin: germline. Not counted in ClinVar's aggregate classification.
Comment: This variant is classified as likely benign based on ACMG/AMP sequence variant interpretation guidelines (Richards et al. 2015 PMID: 25741868, with internal and published modifications).

ITMI
No classification provided. Condition: AllHighlyPenetrant. Last evaluated: 2013-09-19. Review status: no classification provided. Collection method: reference population. Allele origin: germline. Not counted in ClinVar's aggregate classification.
Comment: Please see associated publication for description of ethnicities

Biesecker Lab/Clinical Genomics Section, National Institutes of Health
Classification: Uncertain significance. Last evaluated: 2012-07-13. Review status: no assertion criteria provided. Collection method: research. Allele origin: germline. Affected: no. Observed: 1 variant allele. Study: ClinSeq. Not counted in ClinVar's aggregate classification.
ClinVar note: Converted during submission from variant of unknown significance to Uncertain significance.

Clinical Genetics DNA and cytogenetics Diagnostics Lab, Erasmus MC, Erasmus Medical Center
Classification: Benign. Review status: no assertion criteria provided. Collection method: clinical testing. Allele origin: germline. Affected: yes. Study: VKGL Data-share Consensus. Not counted in ClinVar's aggregate classification.

Diagnostic Laboratory, Department of Genetics, University Medical Center Groningen
Classification: Likely benign. Review status: no assertion criteria provided. Collection method: clinical testing. Allele origin: germline. Affected: yes. Study: VKGL Data-share Consensus. Not counted in ClinVar's aggregate classification.

Tuberous sclerosis database (TSC1)
No classification provided. Condition: TSC. Review status: no classification provided. Criteria: Tuberous Sclerosis Database Assertion Criteria 2015. Collection method: curation. Allele origin: germline. Affected: yes. Not counted in ClinVar's aggregate classification.

Literature cited by the submitters: PubMed 23514105 (cited by 3 submitters); PubMed 30842500 (cited by Athena Diagnostics); PubMed 37937776 (cited by Athena Diagnostics); PubMed 30476936 (cited by Athena Diagnostics); PubMed 21309039 (cited by 3 submitters); PubMed 19747374 (cited by 4 submitters); PubMed 21624971 (cited by Illumina Laboratory Services, Illumina); PubMed 24728327 (cited by ITMI).

NM_000368.5(TSC1):c.1001C>T (p.Ser334Leu)

Gene: TSC1 (TSC complex subunit 1; minus strand). Cytogenetic location: 9q34.13.
Variant type: single nucleotide variant.
Coding change: c.1001C>T on transcript NM_000368.5 (MANE Select); coding-DNA position 1001, C replaced by T.
Protein change: p.Ser334Leu; replaces serine 334 with leucine.
Molecular consequence: missense variant.
Genome position (GRCh38, 1-based): chr9:132,911,481, G>A on the plus strand (C>T on the coding strand, the complement: TSC1 is on the minus strand). VCF-style: chr9-132911481-G-A. GRCh37 (hg19) VCF-style: chr9-135786868-G-A.
Other names: c.1001C>T, p.Ser334Leu (NM_001162426.2); c.848C>T, p.Ser283Leu (NM_001162427.2); c.638C>T, p.Ser213Leu (NM_001362177.2); short protein forms S334L, S213L, S283L.
Identifiers: ClinVar variation 41686 (VCV000041686.63), dbSNP rs118203481, ClinGen allele CA004276.